The following is an entry in ClinVar:

NM_001289808.2(CRYAB):c.451C>G (p.Gln151Glu)

Gene: CRYAB (crystallin alpha B; minus strand). Cytogenetic location: 11q23.1.
Variant type: single nucleotide variant.
Coding change: c.451C>G on transcript NM_001289808.2 (MANE Select); coding-DNA position 451, C replaced by G.
Protein change: p.Gln151Glu; replaces glutamine 151 with glutamic acid.
Molecular consequence: missense variant.
Genome position (GRCh38, 1-based): chr11:111,908,841, G>C on the plus strand (C>G on the coding strand, the complement: CRYAB is on the minus strand). VCF-style: chr11-111908841-G-C. GRCh37 (hg19) VCF-style: chr11-111779565-G-C.
Other names: c.451C>G, p.Gln151Glu (NM_001289807.1, NM_001368245.1, NM_001885.3); c.250C>G, p.Gln84Glu (NM_001330379.1, NM_001368246.1); short protein forms Q84E, Q151E.
Identifiers: ClinVar variation 2143111 (VCV002143111.4), dbSNP rs104894202, ClinGen allele CA382595905.
Genomic context (GRCh38, chr11:111,908,841, plus strand): 5'-CGGTGACAGCAGGCTTCTCTTCACGGGTGATGGGAATGGTGCGCTCAGGGCCAGAGACCT[G>C]TTTCCTTGGTCCATTCACAGTGAGGACCCCATCAGATGACAGGGATGAAGTAATGGTGAG-3'
Protein context (NP_001276737.1, residues 141-161): GVLTVNGPRK[Gln151Glu]VSGPERTIPI

ClinVar aggregate classification (germline): Uncertain significance (1 of 4 stars; one submission).

Conditions:
Dilated cardiomyopathy 1II (CMD1II). Identifiers: Orphanet 154, MedGen C3554649, MONDO:0014073, OMIM 615184.

Allele frequency attached by ClinVar (database versions not stated): TOPMed below 0.00001; gnomAD 0.00001.
gnomAD v4.1: 1 of 1,613,928 alleles (0.000062%); highest among the groups gnomAD compares: African/African-American, 0.0013%; no homozygotes.

Submission:

Labcorp Genetics (formerly Invitae), Labcorp
Classification: Uncertain significance for Dilated cardiomyopathy 1II. Last evaluated: 2022-04-18. Review status: criteria provided, single submitter. Criteria: Invitae Variant Classification Sherloc (09022015). Collection method: clinical testing. Allele origin: germline.
Comment: In summary, the available evidence is currently insufficient to determine the role of this variant in disease. Therefore, it has been classified as a Variant of Uncertain Significance. Algorithms developed to predict the effect of missense changes on protein structure and function (SIFT, PolyPhen-2, Align-GVGD) all suggest that this variant is likely to be tolerated. This variant has not been reported in the literature in individuals affected with CRYAB-related conditions. This variant is not present in population databases (gnomAD no frequency). This sequence change replaces glutamine, which is neutral and polar, with glutamic acid, which is acidic and polar, at codon 151 of the CRYAB protein (p.Gln151Glu).